The following is an entry in ClinVar:

NM_003872.3(NRP2):c.2132G>A (p.Arg711Gln)

Gene: NRP2 (neuropilin 2; plus strand). Cytogenetic location: 2q33.3.
Variant type: single nucleotide variant.
Coding change: c.2132G>A on transcript NM_003872.3 (MANE Select); coding-DNA position 2132, G replaced by A.
Protein change: p.Arg711Gln; replaces arginine 711 with glutamine.
Molecular consequence: missense variant.
Genome position (GRCh38, 1-based): chr2:205,763,761, G>A. VCF-style: chr2-205763761-G-A. GRCh37 (hg19) VCF-style: chr2-206628485-G-A.
Other names: c.2132G>A, p.Arg711Gln (NM_018534.4, NM_201266.2, NM_201267.2 and 1 more transcripts); short protein forms R711Q.
Identifiers: ClinVar variation 2635736 (VCV002635736.5), dbSNP rs755747845, ClinGen allele CA2069329.

ClinVar aggregate classification (germline): Conflicting classifications of pathogenicity. Review status: criteria provided, conflicting classifications (1 of 4 stars). 2 submissions from 2 submitters: Uncertain significance (1); Likely benign (1). Last evaluated 2026-06-01.

Conditions:
NRP2-related disorder. Also called: NRP2-related condition.

Allele frequency attached by ClinVar (database versions not stated): ExAC 0.00002; gnomAD exomes 0.00002; gnomAD 0.00007; TOPMed 0.00007.

Submissions (2):

PreventionGenetics, part of Exact Sciences
Classification: Uncertain significance for NRP2-related condition. Last evaluated: 2026-06-01. Review status: criteria provided, single submitter. Criteria: ACMG Guidelines, 2015. Collection method: clinical testing. Allele origin: germline.
Comment: The NRP2 c.2132G>A variant is predicted to result in the amino acid substitution p.Arg711Gln. To our knowledge, this variant has not been reported in the literature. This variant is reported in 0.012% of alleles in individuals of African descent in gnomAD. At this time, the clinical significance of this variant is uncertain due to the absence of conclusive functional and genetic evidence.

Ambry Genetics
Classification: Likely benign. Last evaluated: 2024-12-30. Review status: criteria provided, single submitter. Criteria: Ambry Variant Classification Scheme 2023. Collection method: clinical testing. Allele origin: germline.